The following is an entry in ClinVar:

ClinVar aggregate classification (germline): Likely benign. Review status: criteria provided, multiple submitters, no conflicts (2 of 4 stars). 2 submissions from 2 submitters: Likely benign (2). Last evaluated 2025-09-29.

Conditions:
Charcot-Marie-Tooth disease axonal type 2C (HMSN2C). Also called: CHARCOT-MARIE-TOOTH DISEASE, AXONAL, AUTOSOMAL DOMINANT, TYPE 2C; Charcot-Marie-Tooth Neuropathy Type 2C; Charcot-Marie-Tooth Disease Type 2, TRPV4-Related (CMT2C). Identifiers: Orphanet 99937, MedGen C1853710, MONDO:0011633, OMIM 606071.

Allele frequency attached by ClinVar (database versions not stated): gnomAD 0.00003 and 0.00004.
gnomAD v4.1: 67 of 1,586,436 alleles (0.0042%); highest among the groups gnomAD compares: Admixed American, 0.0088%; no homozygotes.

Submissions (2):

Labcorp Genetics (formerly Invitae), Labcorp
Classification: Likely benign for Charcot-Marie-Tooth disease axonal type 2C. Last evaluated: 2025-09-29. Review status: criteria provided, single submitter. Criteria: Invitae Variant Classification Sherloc (09022015). Collection method: clinical testing. Allele origin: germline.

GeneDx
Classification: Likely benign. Last evaluated: 2016-06-10. Review status: criteria provided, single submitter. Criteria: GeneDx Variant Classification (06012015). Collection method: clinical testing. Allele origin: germline. Affected: yes.
Comment: This variant is considered likely benign or benign based on one or more of the following criteria: it is a conservative change, it occurs at a poorly conserved position in the protein, it is predicted to be benign by multiple in silico algorithms, and/or has population frequency not consistent with disease.

NM_021625.5(TRPV4):c.1584+18G>A

Gene: TRPV4 (transient receptor potential cation channel subfamily V member 4; minus strand). Cytogenetic location: 12q24.11.
Variant type: single nucleotide variant.
Coding change: c.1584+18G>A on transcript NM_021625.5 (MANE Select); 18 bases into the intron after coding-DNA position 1584, G replaced by A.
Molecular consequence: intron variant.
Genome position (GRCh38, 1-based): chr12:109,793,912, C>T on the plus strand (G>A on the coding strand, the complement: TRPV4 is on the minus strand). VCF-style: chr12-109793912-C-T. GRCh37 (hg19) VCF-style: chr12-110231717-C-T.
Other names: c.1263+18G>A (NM_001177433.1); c.1443+18G>A (NM_001177428.1); c.1404+18G>A (NM_147204.2); c.1482+18G>A (NM_001177431.1).
Identifiers: ClinVar variation 386804 (VCV000386804.8), dbSNP rs10850750, ClinGen allele CA6780175.